The following is an entry in ClinVar:

NM_005228.5(EGFR):c.1799T>C (p.Met600Thr)

Gene: EGFR (epidermal growth factor receptor; plus strand). Cytogenetic location: 7p11.2.
Variant type: single nucleotide variant.
Coding change: c.1799T>C on transcript NM_005228.5 (MANE Select); coding-DNA position 1799, T replaced by C.
Protein change: p.Met600Thr; replaces methionine 600 with threonine.
Molecular consequence: missense variant.
Genome position (GRCh38, 1-based): chr7:55,165,356, T>C. VCF-style: chr7-55165356-T-C. GRCh37 (hg19) VCF-style: chr7-55233049-T-C.
Other names: c.1664T>C, p.Met555Thr (NM_001346897.2, NM_001346899.2); c.1799T>C, p.Met600Thr (NM_001346898.2, NM_201282.2, NM_201284.2); c.1640T>C, p.Met547Thr (NM_001346900.2); c.998T>C, p.Met333Thr (NM_001346941.2); short protein forms M600T, M547T, M555T, M333T.
Identifiers: ClinVar variation 863436 (VCV000863436.10), dbSNP rs149375515, ClinGen allele CA4265699.

ClinVar aggregate classification (germline): Conflicting classifications of pathogenicity. Review status: criteria provided, conflicting classifications (1 of 4 stars). 3 submissions from 3 submitters: Uncertain significance (2); Likely benign (1). Last evaluated 2026-01-04.

Conditions:
EGFR-related lung cancer (EGFR). Identifiers: MedGen CN130014.
Hereditary cancer-predisposing syndrome. Also called: Hereditary Cancer Syndrome; Tumor predisposition; Neoplastic Syndromes, Hereditary; Hereditary neoplastic syndrome. Identifiers: Orphanet 140162, MedGen C0027672, MeSH D009386, MONDO:0015356.

Allele frequency attached by ClinVar (database versions not stated): ExAC 0.00003; gnomAD exomes 0.00003 and 0.00015; gnomAD 0.00005 and 0.00006; TOPMed 0.00005; ESP Exome Variant Server 0.00008.
gnomAD v4.1: 226 of 1,614,058 alleles (0.014%); highest among the groups gnomAD compares: Non-Finnish European, 0.018%; no homozygotes.

Submissions (3):

Labcorp Genetics (formerly Invitae), Labcorp
Classification: Uncertain significance for EGFR-related lung cancer. Last evaluated: 2026-01-04. Review status: criteria provided, single submitter. Criteria: Invitae Variant Classification Sherloc (09022015). Collection method: clinical testing. Allele origin: germline.
Comment: This sequence change replaces methionine, which is neutral and non-polar, with threonine, which is neutral and polar, at codon 600 of the EGFR protein (p.Met600Thr). This variant is present in population databases (rs149375515, gnomAD 0.006%). This variant has not been reported in the literature in individuals affected with EGFR-related conditions. ClinVar contains an entry for this variant (Variation ID: 863436). Invitae Evidence Modeling of protein sequence and biophysical properties (such as structural, functional, and spatial information, amino acid conservation, physicochemical variation, residue mobility, and thermodynamic stability) indicates that this missense variant is not expected to disrupt EGFR protein function with a negative predictive value of 80%. In summary, the available evidence is currently insufficient to determine the role of this variant in disease. Therefore, it has been classified as a Variant of Uncertain Significance.

Ambry Genetics
Classification: Likely benign for Hereditary cancer-predisposing syndrome. Last evaluated: 2024-12-12. Review status: criteria provided, single submitter. Criteria: Ambry Variant Classification Scheme 2023. Collection method: clinical testing. Allele origin: germline.

Sema4
Classification: Uncertain significance for Hereditary cancer-predisposing syndrome. Last evaluated: 2021-10-21. Review status: criteria provided, single submitter. Criteria: Sema4 Curation Guidelines. Collection method: curation. Allele origin: germline.
Comment: To the best of our knowledge, the EGFR c.1799T>C (p.M600T) variant has not been reported as a germline variant in individuals with EGFR-related disease. This variant was observed in 8/129162 chromosomes in the European (non-Finnish) subpopulation according to the Genome Aggregation Database (PMID: 32461654), and has been reported in ClinVar (Variation ID: 863436). In silico tools suggest the impact of the variant on protein function is benign, though these predictions have not been confirmed by functional studies. Based on the current evidence available, this variant is interpreted as a variant of uncertain significance.